The following is an entry in ClinVar:

ClinVar aggregate classification (germline): Uncertain significance (1 of 4 stars; one submission).

Conditions:
Inborn genetic diseases. Identifiers: MedGen C0950123, MeSH D030342.

gnomAD v4.1: 1 of 1,614,120 alleles (0.000062%); highest among the groups gnomAD compares: East Asian, 0.0022%; no homozygotes.

Submission:

Ambry Genetics
Classification: Uncertain significance for Inborn genetic diseases. Last evaluated: 2024-11-18. Review status: criteria provided, single submitter. Criteria: Ambry Variant Classification Scheme 2023. Collection method: clinical testing. Allele origin: germline.
Comment: The p.P549S variant (also known as c.1645C>T), located in coding exon 8 of the MECOM gene, results from a C to T substitution at nucleotide position 1645. The proline at codon 549 is replaced by serine, an amino acid with similar properties. This amino acid position is conserved. In addition, this alteration is predicted to be tolerated by in silico analysis. Based on the available evidence, the clinical significance of this variant remains unclear.

NM_004991.4(MECOM):c.1645C>T (p.Pro549Ser)

Gene: MECOM (MDS1 and EVI1 complex locus; minus strand). Cytogenetic location: 3q26.2.
Variant type: single nucleotide variant.
Coding change: c.1645C>T on transcript NM_004991.4 (MANE Select); coding-DNA position 1645, C replaced by T.
Protein change: p.Pro549Ser; replaces proline 549 with serine.
Molecular consequence: missense variant. On other transcripts: intron variant (2).
Genome position (GRCh38, 1-based): chr3:169,116,227, G>A on the plus strand (C>T on the coding strand, the complement: MECOM is on the minus strand). VCF-style: chr3-169116227-G-A. GRCh37 (hg19) VCF-style: chr3-168834015-G-A.
Other names: c.1276C>T, p.Pro426Ser (NM_001105077.4); c.1081C>T, p.Pro361Ser (NM_001105078.4, NM_001164000.2, NM_001205194.2 and 4 more transcripts); c.1084C>T, p.Pro362Ser (NM_001163999.2, NM_001366467.2, NM_001366468.2 and 1 more transcripts); c.1645C>T, p.Pro549Ser (NM_001366466.2); c.1133-460C>T (NM_001366473.2); c.569-460C>T (NM_001366474.2); short protein forms P361S, P549S, P426S, P362S.
Identifiers: ClinVar variation 3394250 (VCV003394250.1).